The following is an entry in ClinVar:

NM_016729.3(FOLR1):c.685T>C (p.Tyr229His)

Genes: FOLR1-AS1 (FOLR1 antisense RNA 1; minus strand), FOLR1 (folate receptor alpha; plus strand). Cytogenetic location: 11q13.4.
Variant type: single nucleotide variant.
Coding change: c.685T>C on transcript NM_016729.3 (MANE Select); coding-DNA position 685, T replaced by C.
Protein change: p.Tyr229His; replaces tyrosine 229 with histidine.
Molecular consequence: missense variant.
Genome position (GRCh38, 1-based): chr11:72,196,088, T>C. VCF-style: chr11-72196088-T-C. GRCh37 (hg19) VCF-style: chr11-71907132-T-C.
Other names: c.685T>C, p.Tyr229His (NM_000802.3, NM_016724.3, NM_016725.3); short protein forms Y229H.
Identifiers: ClinVar variation 1474389 (VCV001474389.8), dbSNP rs2135389283, ClinGen allele CA381735026.
Genomic context (GRCh38, chr11:72,196,088, plus strand): 5'-TGCATCCAGATGTGGTTCGACCCAGCCCAGGGCAACCCCAATGAGGAGGTGGCGAGGTTC[T>C]ATGCTGCAGCCATGAGTGGGGCTGGGCCCTGGGCAGCCTGGCCTTTCCTGCTTAGCCTGG-3'
Protein context (NP_057941.1, residues 219-239): GNPNEEVARF[Tyr229His]AAAMSGAGPW

ClinVar aggregate classification (germline): Uncertain significance (1 of 4 stars; one submission).

Conditions:
Cerebral folate transport deficiency. Also called: Neurodegenerative syndrome due to cerebral folate transport deficiency; FOLATE RECEPTOR DEFICIENCY; NEURODEGENERATION DUE TO CEREBRAL FOLATE TRANSPORT DEFICIENCY; Cerebral folate deficiency syndrome; FOLR1-Related Cerebral Folate Transport Deficiency. Identifiers: Orphanet 217382, MedGen C2751584, MONDO:0013110, OMIM 613068. Disease mechanism: loss of function.

Submission:

Labcorp Genetics (formerly Invitae), Labcorp
Classification: Uncertain significance for Cerebral folate transport deficiency. Last evaluated: 2022-01-13. Review status: criteria provided, single submitter. Criteria: Invitae Variant Classification Sherloc (09022015). Collection method: clinical testing. Allele origin: germline.
Comment: This sequence change replaces tyrosine, which is neutral and polar, with histidine, which is basic and polar, at codon 229 of the FOLR1 protein (p.Tyr229His). In summary, the available evidence is currently insufficient to determine the role of this variant in disease. Therefore, it has been classified as a Variant of Uncertain Significance. Algorithms developed to predict the effect of missense changes on protein structure and function are either unavailable or do not agree on the potential impact of this missense change (SIFT: "Deleterious"; PolyPhen-2: "Probably Damaging"; Align-GVGD: "Class C0"). This variant has not been reported in the literature in individuals affected with FOLR1-related conditions. This variant is not present in population databases (gnomAD no frequency).